The following is an entry in ClinVar:

NM_017763.6(RNF43):c.1577T>A (p.Val526Glu)

Gene: RNF43 (ring finger protein 43; minus strand). Cytogenetic location: 17q22.
Variant type: single nucleotide variant.
Coding change: c.1577T>A on transcript NM_017763.6 (MANE Select); coding-DNA position 1577, T replaced by A.
Protein change: p.Val526Glu; replaces valine 526 with glutamic acid.
Molecular consequence: missense variant.
Genome position (GRCh38, 1-based): chr17:58,358,199, A>T on the plus strand (T>A on the coding strand, the complement: RNF43 is on the minus strand). VCF-style: chr17-58358199-A-T. GRCh37 (hg19) VCF-style: chr17-56435560-A-T.
Other names: c.1577T>A, p.Val526Glu (NM_001305544.3, NM_001438820.1, NM_001438821.1 and 1 more transcripts); c.1196T>A, p.Val399Glu (NM_001305545.2, NM_001437987.1); short protein forms V399E, V526E.
Identifiers: ClinVar variation 4863417 (VCV004863417.1).

ClinVar aggregate classification (germline): Uncertain significance (1 of 4 stars; one submission).

Submission:

Ambry Genetics
Classification: Uncertain significance. Last evaluated: 2026-05-17. Review status: criteria provided, single submitter. Criteria: Ambry Variant Classification Scheme 2023. Collection method: clinical testing. Allele origin: germline.
Comment: The p.V526E variant (also known as c.1577T>A), located in coding exon 8 of the RNF43 gene, results from a T to A substitution at nucleotide position 1577. The valine at codon 526 is replaced by glutamic acid, an amino acid with dissimilar properties. This amino acid position is conserved. In addition, this alteration is predicted to be tolerated by in silico analysis. Based on the available evidence, the clinical significance of this variant remains unclear.